The following is an entry in ClinVar:

NM_018685.5(ANLN):c.37C>T (p.Arg13Cys)

Gene: ANLN (anillin, actin binding protein; plus strand). Cytogenetic location: 7p14.2.
Variant type: single nucleotide variant.
Coding change: c.37C>T on transcript NM_018685.5 (MANE Select); coding-DNA position 37, C replaced by T.
Protein change: p.Arg13Cys; replaces arginine 13 with cysteine.
Molecular consequence: missense variant.
Genome position (GRCh38, 1-based): chr7:36,396,284, C>T. VCF-style: chr7-36396284-C-T. GRCh37 (hg19) VCF-style: chr7-36435893-C-T.
Other names: c.37C>T, p.Arg13Cys (NM_001284301.3, NM_001284302.3); short protein forms R13C.
Identifiers: ClinVar variation 1936231 (VCV001936231.5), dbSNP rs997141455, ClinGen allele CA157074740.

ClinVar aggregate classification (germline): Uncertain significance (1 of 4 stars; one submission).

Allele frequency attached by ClinVar (database versions not stated): gnomAD exomes 0.00002.
gnomAD v4.1: 26 of 1,603,660 alleles (0.0016%); highest among the groups gnomAD compares: Middle Eastern, 0.033%; no homozygotes.

Submission:

Labcorp Genetics (formerly Invitae), Labcorp
Classification: Uncertain significance. Last evaluated: 2024-01-22. Review status: criteria provided, single submitter. Criteria: Invitae Variant Classification Sherloc (09022015). Collection method: clinical testing. Allele origin: germline.
Comment: This sequence change replaces arginine, which is basic and polar, with cysteine, which is neutral and slightly polar, at codon 13 of the ANLN protein (p.Arg13Cys). This variant is not present in population databases (gnomAD no frequency). This variant has not been reported in the literature in individuals affected with ANLN-related conditions. ClinVar contains an entry for this variant (Variation ID: 1936231). An algorithm developed to predict the effect of missense changes on protein structure and function (PolyPhen-2) suggests that this variant is likely to be disruptive. In summary, the available evidence is currently insufficient to determine the role of this variant in disease. Therefore, it has been classified as a Variant of Uncertain Significance.